The following is an entry in ClinVar:

NM_001013838.3(CARMIL2):c.1514G>T (p.Arg505Leu)

Gene: CARMIL2 (capping protein regulator and myosin 1 linker 2; plus strand). Cytogenetic location: 16q22.1.
Variant type: single nucleotide variant.
Coding change: c.1514G>T on transcript NM_001013838.3 (MANE Select); coding-DNA position 1514, G replaced by T.
Protein change: p.Arg505Leu; replaces arginine 505 with leucine.
Molecular consequence: missense variant.
Genome position (GRCh38, 1-based): chr16:67,648,897, G>T. VCF-style: chr16-67648897-G-T. GRCh37 (hg19) VCF-style: chr16-67682800-G-T.
Other names: c.1406G>T, p.Arg469Leu (NM_001317026.3); c.1514G>T (NM_001013838.1); short protein forms R469L, R505L.
Identifiers: ClinVar variation 1539012 (VCV001539012.11), dbSNP rs200317004, ClinGen allele CA8113474.
Genomic context (GRCh38, chr16:67,648,897, plus strand): 5'-TCCCCACTCGCGGCCTAAGTGGGTCCCACTTCCCACCTCCCACCTCCCACATACAGCTGC[G>T]CTCGGCCGGCGCCCAGGTGATACAAGACTTAGTGTGCGACGCAGGCGCTGTGAGCTCCCT-3'
Protein context (NP_001013860.1, residues 495-515): LHLDLSACEL[Arg505Leu]SAGAQVIQDL

ClinVar aggregate classification (germline): Conflicting classifications of pathogenicity. Review status: criteria provided, conflicting classifications (1 of 4 stars). 3 submissions from 3 submitters: Uncertain significance (1); Likely benign (1). 1 of the submissions does not count toward it. Last evaluated 2026-01-26.

Conditions:
CARMIL2-related disorder. Also called: CARMIL2-related condition.

Allele frequency attached by ClinVar (database versions not stated): gnomAD exomes 0.00026; ExAC 0.00051; 1000 Genomes Project 0.00100; gnomAD 0.00120 and 0.00129; 1000 Genomes Project 30x 0.00125; TOPMed 0.00145; ESP Exome Variant Server 0.00152.
gnomAD v4.1: 330 of 1,604,384 alleles (0.021%); highest among the groups gnomAD compares: African/African-American, 0.38%; 2 homozygotes.

Submissions (3):

Labcorp Genetics (formerly Invitae), Labcorp
Classification: Likely benign. Last evaluated: 2026-01-26. Review status: criteria provided, single submitter. Criteria: Invitae Variant Classification Sherloc (09022015). Collection method: clinical testing. Allele origin: germline.

Blueprint Genetics
Classification: Uncertain significance. Last evaluated: 2023-12-29. Review status: criteria provided, single submitter. Criteria: ACMG Guidelines, 2015. Collection method: clinical testing. Allele origin: germline.

PreventionGenetics, part of Exact Sciences
Classification: Likely benign for CARMIL2-related condition. Last evaluated: 2022-02-18. Review status: no assertion criteria provided. Collection method: clinical testing. Allele origin: germline. Not counted in ClinVar's aggregate classification.
Comment: This variant is classified as likely benign based on ACMG/AMP sequence variant interpretation guidelines (Richards et al. 2015 PMID: 25741868, with internal and published modifications).